The following is an entry in ClinVar:

NM_000404.4(GLB1):c.1202T>G (p.Leu401Arg)

Gene: GLB1 (galactosidase beta 1; minus strand). Cytogenetic location: 3p22.3.
Variant type: single nucleotide variant.
Coding change: c.1202T>G on transcript NM_000404.4 (MANE Select); coding-DNA position 1202, T replaced by G.
Protein change: p.Leu401Arg; replaces leucine 401 with arginine.
Molecular consequence: missense variant.
Genome position (GRCh38, 1-based): chr3:33,021,597, A>C on the plus strand (T>G on the coding strand, the complement: GLB1 is on the minus strand). VCF-style: chr3-33021597-A-C. GRCh37 (hg19) VCF-style: chr3-33063089-A-C.
Other names: c.1112T>G, p.Leu371Arg (NM_001079811.3); c.809T>G, p.Leu270Arg (NM_001135602.3); c.1346T>G, p.Leu449Arg (NM_001317040.2); c.1202T>G, p.Leu401Arg (NM_001393580.1); short protein forms L270R, L401R, L371R, L449R.
Identifiers: ClinVar variation 1415908 (VCV001415908.7), dbSNP rs1301956348, ClinGen allele CA351992989.

ClinVar aggregate classification (germline): Uncertain significance (1 of 4 stars; one submission).

Conditions:
Mucopolysaccharidosis, MPS-IV-B (MPS4B). Also called: MORQUIO SYNDROME B; Mucopolysaccharidosis Type IVB (Morquio B Disease); Mucopolysaccharidosis type 4B; Mucopolysaccharidosis type IVB (Morquio); MPS IVB; Mucopolysaccharidosis type IV B. Identifiers: Orphanet 309310, Orphanet 582, MedGen C0086652, MONDO:0009660, OMIM 253010.
GM1 gangliosidosis. Identifiers: Orphanet 354, MedGen C0085131, MONDO:0018149.

Allele frequency attached by ClinVar (database versions not stated): gnomAD exomes 0.00001.
gnomAD v4.1: 7 of 1,614,094 alleles (0.00043%); highest among the groups gnomAD compares: Non-Finnish European, 0.00025%; no homozygotes.

Submission:

Labcorp Genetics (formerly Invitae), Labcorp
Classification: Uncertain significance for Mucopolysaccharidosis, MPS-IV-B; GM1 gangliosidosis. Last evaluated: 2024-10-14. Review status: criteria provided, single submitter. Criteria: Invitae Variant Classification Sherloc (09022015). Collection method: clinical testing. Allele origin: germline.
Comment: This sequence change replaces leucine, which is neutral and non-polar, with arginine, which is basic and polar, at codon 401 of the GLB1 protein (p.Leu401Arg). This variant is present in population databases (no rsID available, gnomAD 0.01%). This variant has not been reported in the literature in individuals affected with GLB1-related conditions. ClinVar contains an entry for this variant (Variation ID: 1415908). Invitae Evidence Modeling of protein sequence and biophysical properties (such as structural, functional, and spatial information, amino acid conservation, physicochemical variation, residue mobility, and thermodynamic stability) indicates that this missense variant is not expected to disrupt GLB1 protein function with a negative predictive value of 95%. In summary, the available evidence is currently insufficient to determine the role of this variant in disease. Therefore, it has been classified as a Variant of Uncertain Significance.